The following is an entry in ClinVar:

ClinVar aggregate classification (germline): Likely benign (0 of 4 stars; one submission).

Conditions:
ATP13A2-related disorder. Also called: ATP13A2-related disorders; ATP13A2-related condition.

Allele frequency attached by ClinVar (database versions not stated): ExAC 0.00005; gnomAD 0.00005; TOPMed 0.00006; gnomAD exomes 0.00009; ESP Exome Variant Server 0.00015.
gnomAD v4.1: 146 of 1,612,214 alleles (0.0091%); highest among the groups gnomAD compares: Non-Finnish European, 0.012%; no homozygotes.

Submission:

PreventionGenetics, part of Exact Sciences
Classification: Likely benign for ATP13A2-related condition. Last evaluated: 2021-02-15. Review status: no assertion criteria provided. Collection method: clinical testing. Allele origin: germline.
Comment: This variant is classified as likely benign based on ACMG/AMP sequence variant interpretation guidelines (Richards et al. 2015 PMID: 25741868, with internal and published modifications).

NM_022089.4(ATP13A2):c.*41T>C

Gene: ATP13A2 (ATPase cation transporting 13A2; minus strand). Cytogenetic location: 1p36.13.
Variant type: single nucleotide variant.
Coding change: c.*41T>C on transcript NM_022089.4 (MANE Select); 41 bases downstream of the stop codon, T replaced by C.
Molecular consequence: 3 prime UTR variant. On other transcripts: synonymous variant (1).
Genome position (GRCh38, 1-based): chr1:16,986,180, A>G on the plus strand (T>C on the coding strand, the complement: ATP13A2 is on the minus strand). VCF-style: chr1-16986180-A-G. GRCh37 (hg19) VCF-style: chr1-17312675-A-G.
Other names: c.*41T>C (NM_001141973.3); c.3282T>C, p.Pro1094= (NM_001141974.3).
Identifiers: ClinVar variation 3057737 (VCV003057737.2), dbSNP rs372161403, ClinGen allele CA636442.
Genomic context (GRCh38, chr1:16,986,180, plus strand): 5'-CAGGGATGTGGGAGGTGGTGGCGGTGGTGTTGCTGGAGAGGGGTCCAGTTGGTGGCTCAG[A>G]GGCAGGGAGTTCCAGTGTCTGGGGTGCCCGTGGGCCTGCACTACCTCAGGGGGCCGGCGG-3'